The following is an entry in ClinVar:

NM_181882.3(PRX):c.2449C>T (p.Arg817Cys)

Gene: PRX (periaxin; minus strand). Cytogenetic location: 19q13.2.
Variant type: single nucleotide variant.
Coding change: c.2449C>T on transcript NM_181882.3 (MANE Select); coding-DNA position 2449, C replaced by T.
Protein change: p.Arg817Cys; replaces arginine 817 with cysteine.
Molecular consequence: missense variant. On other transcripts: 3 prime UTR variant (1).
Genome position (GRCh38, 1-based): chr19:40,395,903, G>A on the plus strand (C>T on the coding strand, the complement: PRX is on the minus strand). VCF-style: chr19-40395903-G-A. GRCh37 (hg19) VCF-style: chr19-40901810-G-A.
Other names: c.*2654C>T (NM_020956.2); short protein forms R817C.
Identifiers: ClinVar variation 245733 (VCV000245733.23), dbSNP rs147441856, ClinGen allele CA9444052.
Genomic context (GRCh38, chr19:40,395,903, plus strand): 5'-GACAGGGAAGTGTTACCAGCTTCCCTGAGACCTCAGCACCCGCCTCGCCTGGCTTGCCAC[G>A]TGATGGGGACTCTGCCCTCCCTAGCTTGGGCATGGTCATCTTGGGCATCTTGAAGCCAAA-3'
Protein context (NP_870998.2, residues 807-827): PKLGRAESPS[Arg817Cys]GKPGEAGAEV

ClinVar aggregate classification (germline): Uncertain significance. Review status: criteria provided, multiple submitters, no conflicts (2 of 4 stars). 6 submissions from 6 submitters: Uncertain significance (6). Last evaluated 2026-08-26.

Conditions:
PRX-related disorder. Also called: PRX-Related Disorders; PRX-related condition.
Inborn genetic diseases. Identifiers: MedGen C0950123, MeSH D030342.
Charcot-Marie-Tooth disease type 4. Also called: Charcot-Marie-Tooth disease, type IV; Charcot-Marie-Tooth, Type 4. Identifiers: Orphanet 64749, MedGen C4082197, MONDO:0018995.
Charcot-Marie-Tooth disease type 4F. Also called: Charcot-Marie-Tooth disease, demyelinating, type 4F. Identifiers: Orphanet 99952, MedGen C3540453, MONDO:0013959, OMIM 614895.

Allele frequency attached by ClinVar (database versions not stated): gnomAD exomes 0.00006; ExAC 0.00008; ESP Exome Variant Server 0.00008; TOPMed 0.00011; gnomAD 0.00013 and 0.00014.
gnomAD v4.1: 277 of 1,614,036 alleles (0.017%); highest among the groups gnomAD compares: Non-Finnish European, 0.022%; no homozygotes.

Submissions (6):

PreventionGenetics, part of Exact Sciences
Classification: Uncertain significance for PRX-related condition. Last evaluated: 2026-08-26. Review status: criteria provided, single submitter. Criteria: ACMG Guidelines, 2015. Collection method: clinical testing. Allele origin: germline.
Comment: The PRX c.2449C>T variant is predicted to result in the amino acid substitution p.Arg817Cys. To our knowledge, this variant has not been reported in the literature. This variant is reported in 0.016% of alleles in individuals of African descent in gnomAD. At this time, the clinical significance of this variant is uncertain due to the absence of conclusive functional and genetic evidence.

GeneDx
Classification: Uncertain significance. Last evaluated: 2025-02-05. Review status: criteria provided, single submitter. Criteria: GeneDx Variant Classification Process June 2021. Collection method: clinical testing. Allele origin: germline. Affected: yes.
Comment: In silico analysis indicates that this missense variant does not alter protein structure/function; Has not been previously published as pathogenic or benign to our knowledge

Ambry Genetics
Classification: Uncertain significance for Inborn genetic diseases. Last evaluated: 2024-10-29. Review status: criteria provided, single submitter. Criteria: Ambry Variant Classification Scheme 2023. Collection method: clinical testing. Allele origin: germline.

Labcorp Genetics (formerly Invitae), Labcorp
Classification: Uncertain significance for Charcot-Marie-Tooth disease type 4. Last evaluated: 2022-08-16. Review status: criteria provided, single submitter. Criteria: Invitae Variant Classification Sherloc (09022015). Collection method: clinical testing. Allele origin: germline.
Comment: This sequence change replaces arginine, which is basic and polar, with cysteine, which is neutral and slightly polar, at codon 817 of the PRX protein (p.Arg817Cys). This variant is present in population databases (rs147441856, gnomAD 0.02%). This variant has not been reported in the literature in individuals affected with PRX-related conditions. ClinVar contains an entry for this variant (Variation ID: 245733). Algorithms developed to predict the effect of missense changes on protein structure and function are either unavailable or do not agree on the potential impact of this missense change (SIFT: "Deleterious"; PolyPhen-2: "Possibly Damaging"; Align-GVGD: "Class C0"). In summary, the available evidence is currently insufficient to determine the role of this variant in disease. Therefore, it has been classified as a Variant of Uncertain Significance.

Athena Diagnostics
Classification: Uncertain significance. Last evaluated: 2022-04-14. Review status: criteria provided, single submitter. Criteria: Athena Diagnostics Criteria. Collection method: clinical testing. Allele origin: unknown.

Illumina Laboratory Services, Illumina
Classification: Uncertain significance for Charcot-Marie-Tooth disease type 4F. Last evaluated: 2018-01-13. Review status: criteria provided, single submitter. Criteria: ICSL Variant Classification Criteria 13 December 2019. Collection method: clinical testing. Allele origin: germline.